The following is an entry in ClinVar:

ClinVar aggregate classification (germline): Uncertain significance (1 of 4 stars; one submission).

Submission:

Ambry Genetics
Classification: Uncertain significance. Last evaluated: 2026-08-08. Review status: criteria provided, single submitter. Criteria: Ambry Variant Classification Scheme 2023. Collection method: clinical testing. Allele origin: germline.
Comment: The p.Y89C variant (also known as c.266A>G), located in coding exon 2 of the RNF43 gene, results from an A to G substitution at nucleotide position 266. The tyrosine at codon 89 is replaced by cysteine, an amino acid with highly dissimilar properties. This amino acid position is conserved. In addition, this alteration is predicted to be tolerated by in silico analysis. Based on the available evidence, the clinical significance of this variant remains unclear.

NM_017763.6(RNF43):c.266A>G (p.Tyr89Cys)

Gene: RNF43 (ring finger protein 43; minus strand). Cytogenetic location: 17q22.
Variant type: single nucleotide variant.
Coding change: c.266A>G on transcript NM_017763.6 (MANE Select); coding-DNA position 266, A replaced by G.
Protein change: p.Tyr89Cys; replaces tyrosine 89 with cysteine.
Molecular consequence: missense variant. On other transcripts: 5 prime UTR variant (2).
Genome position (GRCh38, 1-based): chr17:58,371,020, T>C on the plus strand (A>G on the coding strand, the complement: RNF43 is on the minus strand). VCF-style: chr17-58371020-T-C. GRCh37 (hg19) VCF-style: chr17-56448381-T-C.
Other names: c.266A>G, p.Tyr89Cys (NM_001305544.3, NM_001438820.1, NM_001438821.1 and 1 more transcripts); c.-116A>G (NM_001305545.2, NM_001437987.1); short protein forms Y89C.
Identifiers: ClinVar variation 5028344 (VCV005028344.1).